The following is an entry in ClinVar:

NM_002633.3(PGM1):c.980G>T (p.Gly327Val)

Gene: PGM1 (phosphoglucomutase 1; plus strand). Cytogenetic location: 1p31.3.
Variant type: single nucleotide variant.
Coding change: c.980G>T on transcript NM_002633.3 (MANE Select); coding-DNA position 980, G replaced by T.
Protein change: p.Gly327Val; replaces glycine 327 with valine.
Molecular consequence: missense variant.
Genome position (GRCh38, 1-based): chr1:63,636,340, G>T. VCF-style: chr1-63636340-G-T. GRCh37 (hg19) VCF-style: chr1-64102011-G-T.
Other names: c.1034G>T, p.Gly345Val (NM_001172818.1); c.389G>T, p.Gly130Val (NM_001172819.2); short protein forms G345V, G130V, G327V.
Identifiers: ClinVar variation 2159897 (VCV002159897.1), dbSNP rs543997524, ClinGen allele CA23823743.

ClinVar aggregate classification (germline): Uncertain significance (1 of 4 stars; one submission).

Conditions:
PGM1-congenital disorder of glycosylation. Also called: CDG It; PHOSPHOGLUCOMUTASE 1 DEFICIENCY; PGM1 DEFICIENCY; Congenital disorder of glycosylation type 1t; GLYCOGEN STORAGE DISEASE XIV; GSD XIV. Identifiers: Orphanet 319646, MedGen C2752015, MONDO:0013968, OMIM 614921.

Allele frequency attached by ClinVar (database versions not stated): TOPMed 0.00001.
gnomAD v4.1: 5 of 1,613,978 alleles (0.00031%); highest among the groups gnomAD compares: Admixed American, 0.0067%; no homozygotes.

Submission:

Labcorp Genetics (formerly Invitae), Labcorp
Classification: Uncertain significance for PGM1-congenital disorder of glycosylation. Last evaluated: 2022-05-27. Review status: criteria provided, single submitter. Criteria: Invitae Variant Classification Sherloc (09022015). Collection method: clinical testing. Allele origin: germline.
Comment: This sequence change replaces glycine, which is neutral and non-polar, with valine, which is neutral and non-polar, at codon 327 of the PGM1 protein (p.Gly327Val). This variant is present in population databases (no rsID available, gnomAD 0.009%). This variant has not been reported in the literature in individuals affected with PGM1-related conditions. Algorithms developed to predict the effect of missense changes on protein structure and function are either unavailable or do not agree on the potential impact of this missense change (SIFT: "Deleterious"; PolyPhen-2: "Probably Damaging"; Align-GVGD: "Class C0"). In summary, the available evidence is currently insufficient to determine the role of this variant in disease. Therefore, it has been classified as a Variant of Uncertain Significance.